The following is an entry in ClinVar:

NM_206933.4(USH2A):c.3039del (p.Cys1014fs)

Genes: USH2A (usherin; minus strand), USH2A-AS1 (USH2A antisense RNA 1; plus strand). Cytogenetic location: 1q41.
Variant type: Deletion.
Coding change: c.3039del on transcript NM_206933.4 (MANE Select); coding-DNA position 3039, one base deleted (C; older notation c.3039delC).
Protein change: p.Cys1014fs; shifts the reading frame from cysteine 1014.
Molecular consequence: frameshift variant.
Genome position (GRCh38, 1-based): chr1:216,217,505, G deleted on the plus strand (C on the coding strand, the reverse complement: USH2A is on the minus strand); the first of 2 consecutive G bases (chr1:216,217,505-216,217,506); deleting either gives the same sequence. VCF-style (leftmost placement, unchanged base first): chr1-216217504-AG-A. GRCh37 (hg19) VCF-style: chr1-216390846-AG-A.
Other names: c.3039del, p.Cys1014fs (NM_007123.6); short protein forms C1014fs.
Identifiers: ClinVar variation 2751516 (VCV002751516.3), dbSNP rs2035366044, ClinGen allele CA1220606297.

ClinVar aggregate classification (germline): Pathogenic (1 of 4 stars; one submission).

Submission:

Labcorp Genetics (formerly Invitae), Labcorp
Classification: Pathogenic. Last evaluated: 2023-08-10. Review status: criteria provided, single submitter. Criteria: Invitae Variant Classification Sherloc (09022015). Collection method: clinical testing. Allele origin: germline.
Comment: This sequence change creates a premature translational stop signal (p.Cys1014Valfs*98) in the USH2A gene. It is expected to result in an absent or disrupted protein product. Loss-of-function variants in USH2A are known to be pathogenic (PMID: 10729113, 10909849, 20507924, 25649381). For these reasons, this variant has been classified as Pathogenic. This variant has not been reported in the literature in individuals affected with USH2A-related conditions. This variant is not present in population databases (gnomAD no frequency).

Literature cited by the submitters: PubMed 10729113; PubMed 10909849; PubMed 20507924; PubMed 25649381.